The following is an entry in ClinVar:

NM_006302.3(MOGS):c.85C>G (p.Arg29Gly)

Genes: MOGS (mannosyl-oligosaccharide glucosidase; minus strand), LOC129934128 (ATAC-STARR-seq lymphoblastoid silent region 11664; plus strand). Cytogenetic location: 2p13.1.
Variant type: single nucleotide variant.
Coding change: c.85C>G on transcript NM_006302.3 (MANE Select); coding-DNA position 85, C replaced by G.
Protein change: p.Arg29Gly; replaces arginine 29 with glycine.
Molecular consequence: missense variant. On other transcripts: intron variant (1).
Genome position (GRCh38, 1-based): chr2:74,465,163, G>C on the plus strand (C>G on the coding strand, the complement: MOGS is on the minus strand). VCF-style: chr2-74465163-G-C. GRCh37 (hg19) VCF-style: chr2-74692290-G-C.
Other names: c.-59+151C>G (NM_001146158.2); c.85C>G, p.Arg29Gly (LRG_1226t1); short protein forms R29G.
Identifiers: ClinVar variation 337114 (VCV000337114.39), dbSNP rs369653963, ClinGen allele CA1725116.

ClinVar aggregate classification (germline): Benign/Likely benign. Review status: criteria provided, multiple submitters, no conflicts (2 of 4 stars). 6 submissions from 6 submitters: Benign (2); Likely benign (3). 1 of the submissions does not count toward it. Last evaluated 2026-02-02.

Conditions:
MOGS-related disorder. Also called: MOGS-related condition.
MOGS-congenital disorder of glycosylation. Also called: CDG IIb; MOGS-CDG; GLUCOSIDASE I DEFICIENCY; CDG 2B. Identifiers: Orphanet 79330, MedGen C1853736, MONDO:0011629, OMIM 606056.

Allele frequency attached by ClinVar (database versions not stated): gnomAD exomes 0.00039 and 0.00130; gnomAD 0.00044 and 0.00061; TOPMed 0.00075; ExAC 0.00090; 1000 Genomes Project 0.00200; 1000 Genomes Project 30x 0.00312.

Submissions (6):

Labcorp Genetics (formerly Invitae), Labcorp
Classification: Benign for MOGS-congenital disorder of glycosylation. Last evaluated: 2026-02-02. Review status: criteria provided, single submitter. Criteria: Invitae Variant Classification Sherloc (09022015). Collection method: clinical testing. Allele origin: germline.

ARUP Laboratories, Molecular Genetics and Genomics, ARUP Laboratories
Classification: Benign for MOGS-congenital disorder of glycosylation. Last evaluated: 2024-11-14. Review status: criteria provided, single submitter. Criteria: ARUP Molecular Germline Variant Investigation Process 2024. Collection method: clinical testing. Allele origin: germline.

Blueprint Genetics
Classification: Likely benign. Last evaluated: 2024-11-13. Review status: criteria provided, single submitter. Criteria: ACMG Guidelines, 2015. Collection method: clinical testing. Allele origin: germline.

CeGaT Center for Human Genetics Tuebingen
Classification: Likely benign. Last evaluated: 2023-02-01. Review status: criteria provided, single submitter. Criteria: CeGaT Center For Human Genetics Tuebingen Variant Classification Criteria Version 2. Collection method: clinical testing. Allele origin: germline. Affected: yes. Observed: 1 variant allele.
Comment: MOGS: BS1

GeneDx
Classification: Likely benign. Last evaluated: 2017-08-03. Review status: criteria provided, single submitter. Criteria: GeneDx Variant Classification (06012015). Collection method: clinical testing. Allele origin: germline. Affected: yes.
Comment: This variant is considered likely benign or benign based on one or more of the following criteria: it is a conservative change, it occurs at a poorly conserved position in the protein, it is predicted to be benign by multiple in silico algorithms, and/or has population frequency not consistent with disease.

PreventionGenetics, part of Exact Sciences
Classification: Benign for MOGS-related condition. Last evaluated: 2019-09-09. Review status: no assertion criteria provided. Collection method: clinical testing. Allele origin: germline. Not counted in ClinVar's aggregate classification.
Comment: This variant is classified as benign based on ACMG/AMP sequence variant interpretation guidelines (Richards et al. 2015 PMID: 25741868, with internal and published modifications).